The following is an entry in ClinVar:

NM_000368.5(TSC1):c.1716C>T (p.Cys572=)

Gene: TSC1 (TSC complex subunit 1; minus strand). Cytogenetic location: 9q34.13.
Variant type: single nucleotide variant.
Coding change: c.1716C>T on transcript NM_000368.5 (MANE Select); coding-DNA position 1716, C replaced by T.
Protein change: p.Cys572=; no amino-acid change (cysteine 572 retained).
Molecular consequence: synonymous variant.
Genome position (GRCh38, 1-based): chr9:132,905,862, G>A on the plus strand (C>T on the coding strand, the complement: TSC1 is on the minus strand). VCF-style: chr9-132905862-G-A. GRCh37 (hg19) VCF-style: chr9-135781249-G-A.
Other names: c.1713C>T, p.Cys571= (NM_001162426.2); c.1563C>T, p.Cys521= (NM_001162427.2); c.1353C>T, p.Cys451= (NM_001362177.2).
Identifiers: ClinVar variation 766232 (VCV000766232.37), dbSNP rs752202276, ClinGen allele CA029544.

ClinVar aggregate classification (germline): Benign/Likely benign. Review status: criteria provided, multiple submitters, no conflicts (2 of 4 stars). 4 submissions from 4 submitters: Benign (1); Likely benign (3). Last evaluated 2025-04-10.

Conditions:
Hereditary cancer-predisposing syndrome. Also called: Hereditary Cancer Syndrome; Tumor predisposition; Hereditary neoplastic syndrome; Neoplastic Syndromes, Hereditary. Identifiers: Orphanet 140162, MedGen C0027672, MeSH D009386, MONDO:0015356.
Tuberous sclerosis 1 (TSC1). Identifiers: Orphanet 805, MedGen C1854465, MONDO:0008612, OMIM 191100.

Allele frequency attached by ClinVar (database versions not stated): ExAC 0.00001; gnomAD exomes 0.00001; TOPMed 0.00001.
gnomAD v4.1: 20 of 1,612,774 alleles (0.0012%); highest among the groups gnomAD compares: Non-Finnish European, 0.0017%; no homozygotes.

Submissions (4):

Myriad Genetics, Inc.
Classification: Benign for Tuberous sclerosis 1. Last evaluated: 2025-04-10. Review status: criteria provided, single submitter. Criteria: Myriad Autosomal Dominant, Autosomal Recessive and X-Linked Classification Criteria (2023). Collection method: clinical testing. Allele origin: unknown.
Comment: This variant is considered benign. This variant is a silent/synonymous amino acid change and it is not expected to impact splicing.

Labcorp Genetics (formerly Invitae), Labcorp
Classification: Likely benign for Tuberous sclerosis 1. Last evaluated: 2024-12-15. Review status: criteria provided, single submitter. Criteria: Invitae Variant Classification Sherloc (09022015). Collection method: clinical testing. Allele origin: germline.

CeGaT Center for Human Genetics Tuebingen
Classification: Likely benign. Last evaluated: 2023-10-01. Review status: criteria provided, single submitter. Criteria: CeGaT Center For Human Genetics Tuebingen Variant Classification Criteria Version 2. Collection method: clinical testing. Allele origin: germline. Affected: yes. Observed: 1 variant allele.
Comment: TSC1: BP4

Ambry Genetics
Classification: Likely benign for Hereditary cancer-predisposing syndrome. Last evaluated: 2022-12-23. Review status: criteria provided, single submitter. Criteria: Ambry Variant Classification Scheme 2023. Collection method: clinical testing. Allele origin: germline.